The following is an entry in ClinVar:

NM_207361.6(FREM2):c.87G>C (p.Arg29=)

Gene: FREM2 (FRAS1 related extracellular matrix 2; plus strand). Cytogenetic location: 13q13.3.
Variant type: single nucleotide variant.
Coding change: c.87G>C on transcript NM_207361.6 (MANE Select); coding-DNA position 87, G replaced by C.
Protein change: p.Arg29=; no amino-acid change (arginine 29 retained).
Molecular consequence: synonymous variant.
Genome position (GRCh38, 1-based): chr13:38,687,431, G>C. VCF-style: chr13-38687431-G-C. GRCh37 (hg19) VCF-style: chr13-39261568-G-C.
Identifiers: ClinVar variation 3037638 (VCV003037638.2), dbSNP rs748310975, ClinGen allele CA483426548.

ClinVar aggregate classification (germline): Likely benign (0 of 4 stars; one submission).

Conditions:
FREM2-related disorder. Also called: FREM2-related condition.

Submission:

PreventionGenetics, part of Exact Sciences
Classification: Likely benign for FREM2-related condition. Last evaluated: 2020-01-08. Review status: no assertion criteria provided. Collection method: clinical testing. Allele origin: germline.
Comment: This variant is classified as likely benign based on ACMG/AMP sequence variant interpretation guidelines (Richards et al. 2015 PMID: 25741868, with internal and published modifications).